The following is an entry in ClinVar:

ClinVar aggregate classification (germline): Uncertain significance. Review status: criteria provided, multiple submitters, no conflicts (2 of 4 stars). 3 submissions from 3 submitters: Uncertain significance (2). 1 of the submissions does not count toward it. Last evaluated 2025-04-03.

Conditions:
Charcot-Marie-Tooth disease. Also called: Charcot-Marie-Tooth Hereditary Neuropathy; Charcot-Marie-Tooth Neuropathy. Identifiers: Orphanet 166, MedGen C0007959, MONDO:0015626.
Charcot-Marie-Tooth Neuropathy X. Identifiers: MedGen CN118851.

Submissions (3):

Labcorp Genetics (formerly Invitae), Labcorp
Classification: Uncertain significance for Charcot-Marie-Tooth Neuropathy X. Last evaluated: 2025-04-03. Review status: criteria provided, single submitter. Criteria: Invitae Variant Classification Sherloc (09022015). Collection method: clinical testing. Allele origin: germline.
Comment: This sequence change replaces leucine, which is neutral and non-polar, with valine, which is neutral and non-polar, at codon 36 of the GJB1 protein (p.Leu36Val). This variant is not present in population databases (gnomAD no frequency). This missense change has been observed in individual(s) with Charcot-Marie-Tooth disease (internal data). ClinVar contains an entry for this variant (Variation ID: 1046999). Invitae Evidence Modeling of protein sequence and biophysical properties (such as structural, functional, and spatial information, amino acid conservation, physicochemical variation, residue mobility, and thermodynamic stability) has been performed for this missense variant. However, the output from this modeling did not meet the statistical confidence thresholds required to predict the impact of this variant on GJB1 protein function. This variant disrupts the p.Leu36 amino acid residue in GJB1. Other variant(s) that disrupt this residue have been observed in individuals with GJB1-related conditions (PMID: 18379723), which suggests that this may be a clinically significant amino acid residue. In summary, the available evidence is currently insufficient to determine the role of this variant in disease. Therefore, it has been classified as a Variant of Uncertain Significance.

Athena Diagnostics
Classification: Uncertain significance. Last evaluated: 2025-01-30. Review status: criteria provided, single submitter. Criteria: Athena Diagnostics Criteria. Collection method: clinical testing. Allele origin: unknown.
Comment: Available data are insufficient to determine the clinical significance of the variant at this time. This variant has not been reported in large, multi-ethnic general populations. Polyphen and MutationTaster predict this amino acid change may be damaging to the protein.

Natera, Inc.
Classification: Uncertain significance for Charcot-Marie-Tooth disease. Last evaluated: 2020-05-28. Review status: no assertion criteria provided. Collection method: clinical testing. Allele origin: germline. Not counted in ClinVar's aggregate classification.

Literature cited by the submitters: PubMed 18379723 (cited by Labcorp Genetics (formerly Invitae), Labcorp).

NM_000166.6(GJB1):c.106C>G (p.Leu36Val)

Gene: GJB1 (gap junction protein beta 1; plus strand). Cytogenetic location: Xq13.1.
Variant type: single nucleotide variant.
Coding change: c.106C>G on transcript NM_000166.6 (MANE Select); coding-DNA position 106, C replaced by G.
Protein change: p.Leu36Val; replaces leucine 36 with valine.
Molecular consequence: missense variant.
Genome position (GRCh38, 1-based): chrX:71,223,813, C>G. VCF-style: chrX-71223813-C-G. GRCh37 (hg19) VCF-style: chrX-70443663-C-G.
Other names: c.106C>G, p.Leu36Val (NM_001097642.3); c.106C>G (NM_000166.5); short protein forms L36V.
Identifiers: ClinVar variation 1046999 (VCV001046999.10), dbSNP rs2092542516, ClinGen allele CA413500946.